The following is an entry in ClinVar:

NM_001197104.2(KMT2A):c.5031C>T (p.Pro1677=)

Gene: KMT2A (lysine methyltransferase 2A; plus strand). Cytogenetic location: 11q23.3.
Variant type: single nucleotide variant.
Coding change: c.5031C>T on transcript NM_001197104.2 (MANE Select); coding-DNA position 5031, C replaced by T.
Protein change: p.Pro1677=; no amino-acid change (proline 1677 retained).
Molecular consequence: synonymous variant.
Genome position (GRCh38, 1-based): chr11:118,493,083, C>T. VCF-style: chr11-118493083-C-T. GRCh37 (hg19) VCF-style: chr11-118363798-C-T.
Other names: c.5022C>T, p.Pro1674= (NM_005933.4).
Identifiers: ClinVar variation 1590070 (VCV001590070.10), dbSNP rs140439290, ClinGen allele CA6304002.

ClinVar aggregate classification (germline): Likely benign. Review status: criteria provided, multiple submitters, no conflicts (2 of 4 stars). 2 submissions from 2 submitters: Likely benign (2). Last evaluated 2026-08-01.

Allele frequency attached by ClinVar (database versions not stated): gnomAD 0.00004; gnomAD exomes 0.00005 and 0.00009; TOPMed 0.00005; ExAC 0.00008; ESP Exome Variant Server 0.00008; 1000 Genomes Project 30x 0.00016; 1000 Genomes Project 0.00020.
gnomAD v4.1: 71 of 1,613,740 alleles (0.0044%); highest among the groups gnomAD compares: Admixed American, 0.04%; no homozygotes.

Submissions (2):

CeGaT Center for Human Genetics Tuebingen
Classification: Likely benign. Last evaluated: 2026-08-01. Review status: criteria provided, single submitter. Criteria: CeGaT Center For Human Genetics Tuebingen Variant Classification Criteria Version 2. Collection method: clinical testing. Allele origin: germline. Affected: yes. Observed: 1 variant allele.
Comment: KMT2A: BP4, BP7

Labcorp Genetics (formerly Invitae), Labcorp
Classification: Likely benign. Last evaluated: 2026-01-10. Review status: criteria provided, single submitter. Criteria: Invitae Variant Classification Sherloc (09022015). Collection method: clinical testing. Allele origin: germline.